The following is an entry in ClinVar:

NM_018036.7(ATG2B):c.4584C>T (p.Pro1528=)

Gene: ATG2B (autophagy related 2B; minus strand). Cytogenetic location: 14q32.2.
Variant type: single nucleotide variant.
Coding change: c.4584C>T on transcript NM_018036.7 (MANE Select); coding-DNA position 4584, C replaced by T.
Protein change: p.Pro1528=; no amino-acid change (proline 1528 retained).
Molecular consequence: synonymous variant.
Genome position (GRCh38, 1-based): chr14:96,305,738, G>A on the plus strand (C>T on the coding strand, the complement: ATG2B is on the minus strand). VCF-style: chr14-96305738-G-A. GRCh37 (hg19) VCF-style: chr14-96772075-G-A.
Identifiers: ClinVar variation 2644499 (VCV002644499.24), dbSNP rs146028674, ClinGen allele CA7335915.
Genomic context (GRCh38, chr14:96,305,738, plus strand): 5'-ATAGCGAATCACAGGAATGGGAAAGTGTAAGGGGGCTTTGCTCGTATCGGTCTTATTAAC[G>A]GGCAGACTGAAATAATTGTCTCTTATCACAATTGCATCATCAACCATGATTTTTATAACT-3'
Protein context (NP_060506.6, residues 1518-1538): IVIRDNYFSL[Pro1528=]VNKTDTSKAP

ClinVar aggregate classification (germline): Likely benign (1 of 4 stars; one submission).

Allele frequency attached by ClinVar (database versions not stated): 1000 Genomes Project 0.00200; 1000 Genomes Project 30x 0.00219; ExAC 0.00221; gnomAD 0.00255; ESP Exome Variant Server 0.00277; TOPMed 0.00279.
gnomAD v4.1: 4,602 of 1,614,086 alleles (0.29%); highest among the groups gnomAD compares: Admixed American, 0.43%; 9 homozygotes.

Submission:

CeGaT Center for Human Genetics Tuebingen
Classification: Likely benign. Last evaluated: 2022-04-01. Review status: criteria provided, single submitter. Criteria: CeGaT Center For Human Genetics Tuebingen Variant Classification Criteria Version 2. Collection method: clinical testing. Allele origin: germline. Affected: yes. Observed: 1 variant allele.
Comment: ATG2B: BP4, BP7